The following is an entry in ClinVar:

NM_001987.5(ETV6):c.146G>T (p.Arg49Leu)

Gene: ETV6 (ETS variant transcription factor 6; plus strand). Cytogenetic location: 12p13.2.
Variant type: single nucleotide variant.
Coding change: c.146G>T on transcript NM_001987.5 (MANE Select); coding-DNA position 146, G replaced by T.
Protein change: p.Arg49Leu; replaces arginine 49 with leucine.
Molecular consequence: missense variant. On other transcripts: intron variant (1).
Genome position (GRCh38, 1-based): chr12:11,752,562, G>T. VCF-style: chr12-11752562-G-T. GRCh37 (hg19) VCF-style: chr12-11905496-G-T.
Other names: c.143G>T, p.Arg48Leu (NM_001413913.1); c.119G>T, p.Arg40Leu (NM_001413914.1); c.146G>T, p.Arg49Leu (NM_001413916.1, NM_001413917.1, NM_001413918.1); c.-101-86578G>T (NM_001413915.1); short protein forms R40L, R49L, R48L.
Identifiers: ClinVar variation 4618878 (VCV004618878.1).

ClinVar aggregate classification (germline): Uncertain significance (1 of 4 stars; one submission).

Conditions:
Inborn genetic diseases. Identifiers: MedGen C0950123, MeSH D030342.

gnomAD v4.1: 1 of 1,612,600 alleles (0.000062%); no homozygotes.

Submission:

Ambry Genetics
Classification: Uncertain significance for Inborn genetic diseases. Last evaluated: 2025-11-25. Review status: criteria provided, single submitter. Criteria: Ambry Variant Classification Scheme 2023. Collection method: clinical testing. Allele origin: germline.
Comment: The p.R49L variant (also known as c.146G>T), located in coding exon 2 of the ETV6 gene, results from a G to T substitution at nucleotide position 146. The arginine at codon 49 is replaced by leucine, an amino acid with dissimilar properties. This amino acid position is conserved. In addition, this alteration is predicted to be tolerated by in silico analysis. Based on the available evidence, the clinical significance of this variant remains unclear.